The following is an entry in ClinVar:

NM_006158.5(NEFL):c.94G>C (p.Gly32Arg)

Gene: NEFL (neurofilament light chain; minus strand). Cytogenetic location: 8p21.2.
Variant type: single nucleotide variant.
Coding change: c.94G>C on transcript NM_006158.5 (MANE Select); coding-DNA position 94, G replaced by C.
Protein change: p.Gly32Arg; replaces glycine 32 with arginine.
Molecular consequence: missense variant.
Genome position (GRCh38, 1-based): chr8:24,956,422, C>G on the plus strand (G>C on the coding strand, the complement: NEFL is on the minus strand). VCF-style: chr8-24956422-C-G. GRCh37 (hg19) VCF-style: chr8-24813936-C-G.
Other names: short protein forms G32R.
Identifiers: ClinVar variation 2903166 (VCV002903166.3), dbSNP rs1254235243, ClinGen allele CA370624054.

ClinVar aggregate classification (germline): Uncertain significance (1 of 4 stars; one submission).

Conditions:
Charcot-Marie-Tooth disease type 2E (CMT2E). Also called: CHARCOT-MARIE-TOOTH NEUROPATHY, TYPE 2E; CHARCOT-MARIE-TOOTH DISEASE, AXONAL, TYPE 2E. Identifiers: Orphanet 99939, MedGen C1843225, MONDO:0011894, OMIM 607684.

Allele frequency attached by ClinVar (database versions not stated): gnomAD exomes below 0.00001; gnomAD 0.00002; TOPMed 0.00002.

Submission:

Labcorp Genetics (formerly Invitae), Labcorp
Classification: Uncertain significance for Charcot-Marie-Tooth disease type 2E. Last evaluated: 2023-06-23. Review status: criteria provided, single submitter. Criteria: Invitae Variant Classification Sherloc (09022015). Collection method: clinical testing. Allele origin: germline.
Comment: In summary, the available evidence is currently insufficient to determine the role of this variant in disease. Therefore, it has been classified as a Variant of Uncertain Significance. Advanced modeling of protein sequence and biophysical properties (such as structural, functional, and spatial information, amino acid conservation, physicochemical variation, residue mobility, and thermodynamic stability) performed at Invitae indicates that this missense variant is not expected to disrupt NEFL protein function. This variant has not been reported in the literature in individuals affected with NEFL-related conditions. This variant is present in population databases (no rsID available, gnomAD 0.01%). This sequence change replaces glycine, which is neutral and non-polar, with arginine, which is basic and polar, at codon 32 of the NEFL protein (p.Gly32Arg).